The following is an entry in ClinVar:

ClinVar aggregate classification (germline): Uncertain significance (1 of 4 stars; one submission).

Conditions:
Neurofibromatosis, type 2 (SWNV). Also called: BILATERAL ACOUSTIC NEUROFIBROMATOSIS; NF2-Related Schwannomatosis; SCHWANNOMATOSIS, VESTIBULAR. Identifiers: Orphanet 637, MedGen C0027832, MONDO:0007039, OMIM 101000. Disease mechanism: loss of function.

Submission:

Labcorp Genetics (formerly Invitae), Labcorp
Classification: Uncertain significance for Neurofibromatosis, type 2. Last evaluated: 2021-07-08. Review status: criteria provided, single submitter. Criteria: Invitae Variant Classification Sherloc (09022015). Collection method: clinical testing. Allele origin: germline.
Comment: This sequence change replaces phenylalanine with serine at codon 47 of the NF2 protein (p.Phe47Ser). The phenylalanine residue is highly conserved and there is a large physicochemical difference between phenylalanine and serine. This variant is not present in population databases (ExAC no frequency). This variant has not been reported in the literature in individuals affected with NF2-related conditions. Algorithms developed to predict the effect of missense changes on protein structure and function (SIFT, PolyPhen-2, Align-GVGD) all suggest that this variant is likely to be disruptive. In summary, the available evidence is currently insufficient to determine the role of this variant in disease. Therefore, it has been classified as a Variant of Uncertain Significance.

NM_000268.4(NF2):c.140T>C (p.Phe47Ser)

Gene: NF2 (NF2, moesin-ezrin-radixin like (MERLIN) tumor suppressor; plus strand). Cytogenetic location: 22q12.2.
Variant type: single nucleotide variant.
Coding change: c.140T>C on transcript NM_000268.4 (MANE Select); coding-DNA position 140, T replaced by C.
Protein change: p.Phe47Ser; replaces phenylalanine 47 with serine.
Molecular consequence: missense variant. On other transcripts: non-coding transcript variant (1), intron variant (3).
Genome position (GRCh38, 1-based): chr22:29,636,776, T>C. VCF-style: chr22-29636776-T-C. GRCh37 (hg19) VCF-style: chr22-30032765-T-C.
Other names: c.140T>C, p.Phe47Ser (NM_016418.5, NM_181825.3, NM_181829.3 and 2 more transcripts); c.115-2314T>C (NM_181828.3); c.115-5426T>C (NM_181830.3, NM_181831.3); short protein forms F47S.
Identifiers: ClinVar variation 1404705 (VCV001404705.8), dbSNP rs2146852097, ClinGen allele CA411152468.